The following is an entry in ClinVar:

NM_001365536.1(SCN9A):c.3096del (p.Lys1033fs)

Genes: SCN1A-AS1 (SCN1A and SCN9A antisense RNA 1; plus strand), SCN9A (sodium voltage-gated channel alpha subunit 9; minus strand). Cytogenetic location: 2q24.3.
Variant type: Deletion.
Coding change: c.3096del on transcript NM_001365536.1 (MANE Select); coding-DNA position 3096, one base deleted (T; older notation c.3096delT).
Protein change: p.Lys1033fs; shifts the reading frame from lysine 1033.
Molecular consequence: frameshift variant.
Genome position (GRCh38, 1-based): chr2:166,272,654, A deleted on the plus strand (T on the coding strand, the reverse complement: SCN9A is on the minus strand). VCF-style (leftmost placement, unchanged base first): chr2-166272653-TA-T. GRCh37 (hg19) VCF-style: chr2-167129163-TA-T.
Other names: c.3063delT, p.Lys1022Argfs (NM_002977.4); short protein forms K1022fs, K1033fs.
Identifiers: ClinVar variation 1441374 (VCV001441374.6), dbSNP rs2106460925, ClinGen allele CA2573133701.

ClinVar aggregate classification (germline): Pathogenic (1 of 4 stars; one submission).

Conditions:
Generalized epilepsy with febrile seizures plus, type 7 (GEFSP7). Also called: GEFS+, TYPE 7. Identifiers: Orphanet 36387, MedGen C2751778, MONDO:0013470, OMIM 613863.
Neuropathy, hereditary sensory and autonomic, type 2A (HSAN2A). Also called: HSAN IIA; WNK1-Related HSAN2 (HSAN2A); MORVAN DISEASE; NEUROPATHY, CONGENITAL SENSORY; NEUROPATHY, HEREDITARY SENSORY RADICULAR, AUTOSOMAL RECESSIVE; NEUROPATHY, HEREDITARY SENSORY, TYPE IIA. Identifiers: Orphanet 970, MedGen C2752089, MONDO:0024309, OMIM 201300.

Submission:

Labcorp Genetics (formerly Invitae), Labcorp
Classification: Pathogenic for Neuropathy, hereditary sensory and autonomic, type 2A; Generalized epilepsy with febrile seizures plus, type 7. Last evaluated: 2021-10-15. Review status: criteria provided, single submitter. Criteria: Invitae Variant Classification Sherloc (09022015). Collection method: clinical testing. Allele origin: germline.
Comment: For these reasons, this variant has been classified as Pathogenic. This variant has not been reported in the literature in individuals affected with SCN9A-related conditions. This variant is not present in population databases (ExAC no frequency). This sequence change creates a premature translational stop signal (p.Lys1022Argfs*14) in the SCN9A gene. It is expected to result in an absent or disrupted protein product. Loss-of-function variants in SCN9A are known to be pathogenic (PMID: 17470132, 19304393).

Literature cited by the submitters: PubMed 17470132; PubMed 19304393.